The following is an entry in ClinVar:

NM_001077525.3(MTMR14):c.1789C>G (p.Arg597Gly)

Gene: MTMR14 (myotubularin related protein 14; plus strand). Cytogenetic location: 3p25.3.
Variant type: single nucleotide variant.
Coding change: c.1789C>G on transcript NM_001077525.3 (MANE Select); coding-DNA position 1789, C replaced by G.
Protein change: p.Arg597Gly; replaces arginine 597 with glycine.
Molecular consequence: missense variant. On other transcripts: non-coding transcript variant (9).
Genome position (GRCh38, 1-based): chr3:9,701,809, C>G. VCF-style: chr3-9701809-C-G. GRCh37 (hg19) VCF-style: chr3-9743493-C-G.
Other names: c.1507C>G, p.Arg503Gly (NM_001400525.1); c.1447C>G, p.Arg483Gly (NM_001400526.1); c.1387C>G, p.Arg463Gly (NM_001400527.1); c.1378C>G, p.Arg460Gly (NM_001400528.1); c.1351C>G, p.Arg451Gly (NM_001400529.1); c.1207C>G, p.Arg403Gly (NM_001400530.1); c.1204C>G, p.Arg402Gly (NM_001400531.1); c.1171C>G, p.Arg391Gly (NM_001400532.1); and 19 more; short protein forms R572G, R198G, R246G, R378G, R463G, R544G, R568G, R597G.
Identifiers: ClinVar variation 2911648 (VCV002911648.3), dbSNP rs929541502, ClinGen allele CA69976705.

ClinVar aggregate classification (germline): Uncertain significance (1 of 4 stars; one submission).

gnomAD v4.1: 2 of 1,613,838 alleles (0.00012%); highest among the groups gnomAD compares: Admixed American, 0.0017%; no homozygotes.

Submission:

Labcorp Genetics (formerly Invitae), Labcorp
Classification: Uncertain significance. Last evaluated: 2022-11-29. Review status: criteria provided, single submitter. Criteria: Invitae Variant Classification Sherloc (09022015). Collection method: clinical testing. Allele origin: germline.
Comment: In summary, the available evidence is currently insufficient to determine the role of this variant in disease. Therefore, it has been classified as a Variant of Uncertain Significance. Algorithms developed to predict the effect of missense changes on protein structure and function (SIFT, PolyPhen-2, Align-GVGD) all suggest that this variant is likely to be disruptive. This variant has not been reported in the literature in individuals affected with MTMR14-related conditions. This variant is not present in population databases (gnomAD no frequency). This sequence change replaces arginine, which is basic and polar, with glycine, which is neutral and non-polar, at codon 485 of the MTMR14 protein (p.Arg485Gly).